The following is an entry in ClinVar:

NC_000016.9:g.(?_89556653)_(89623501_?)del

Genes: ANKRD11 (ankyrin repeat domain 11; minus strand), SPG7 (SPG7 matrix AAA peptidase subunit, paraplegin; plus strand). Cytogenetic location: 16q24.3.
Variant type: Deletion.
Identifiers: ClinVar variation 3243422 (VCV003243422.1).

ClinVar aggregate classification (germline): Pathogenic (1 of 4 stars; one submission).

Conditions:
Hereditary spastic paraplegia 7 (SPG7). Also called: Autosomal recessive spastic paraplegia type 7; SPASTIC PARAPLEGIA 7, AUTOSOMAL RECESSIVE, WITH OR WITHOUT CEREBELLAR ATAXIA; Spastic paraplegia 7; Hereditary spastic paraplegia Paraplegin type; SPG7-related neurologic disorder. Identifiers: Orphanet 99013, MedGen C1846564, MONDO:0011803, OMIM 607259.

Submission:

Labcorp Genetics (formerly Invitae), Labcorp
Classification: Pathogenic for Hereditary spastic paraplegia 7. Last evaluated: 2023-07-03. Review status: criteria provided, single submitter. Criteria: Invitae Variant Classification Sherloc (09022015). Collection method: clinical testing. Allele origin: unknown.
Comment: This variant has not been reported in the literature in individuals affected with SPG7-related conditions. A gross deletion of the genomic region encompassing the full coding sequence of the SPG7 gene has been identified. Loss-of-function variants in SPG7 are known to be pathogenic (PMID: 21623769, 22964162). The boundaries of this event are unknown as they extend beyond the assayed region for this gene and therefore may encompass additional genes. For these reasons, this variant has been classified as Pathogenic.

Literature cited by the submitters: PubMed 21623769; PubMed 22964162.